The following is an entry in ClinVar:

NC_000003.11:g.(?_81627056)_(81810688_?)del

Gene: GBE1 (1,4-alpha-glucan branching enzyme 1; minus strand). Cytogenetic location: 3p12.2.
Variant type: Deletion.
Identifiers: ClinVar variation 1076128 (VCV001076128.5).

ClinVar aggregate classification (germline): Pathogenic (1 of 4 stars; one submission).

Conditions:
Glycogen storage disease, type IV (GSD4). Also called: Glycogen storage disease due to glycogen branching enzyme deficiency; AMYLOPECTINOSIS; ANDERSEN DISEASE; BRANCHER DEFICIENCY; CIRRHOSIS, FAMILIAL, WITH DEPOSITION OF ABNORMAL GLYCOGEN; GBE1 DEFICIENCY. Identifiers: Orphanet 367, MedGen C0017923, MONDO:0009292, OMIM 232500.
Glycogen storage disease IV, classic hepatic. Also called: GSD IV, CLASSIC HEPATIC. Identifiers: MedGen C1856301.

Submission:

Labcorp Genetics (formerly Invitae), Labcorp
Classification: Pathogenic for Glycogen storage disease, type IV; Glycogen storage disease IV, classic hepatic. Last evaluated: 2020-04-20. Review status: criteria provided, single submitter. Criteria: Invitae Variant Classification Sherloc (09022015). Collection method: clinical testing. Allele origin: germline.
Comment: For these reasons, this variant has been classified as Pathogenic. Loss-of-function variants in GBE1 are known to be pathogenic (PMID: 15452297, 20058079). This variant has not been reported in the literature in individuals with GBE1-related conditions. This variant is a gross deletion of the genomic region encompassing exon(s) 1-12 of the GBE1 gene, which includes the initiator codon. The 5' end of this event is unknown as it extends beyond the assayed region for this gene and therefore may encompass additional genes. The 3' boundary is likely confined to intron 12 of the GBE1 gene. This is expected to result in an absent or disrupted protein product.

Literature cited by the submitters: PubMed 15452297; PubMed 20058079.